The following is an entry in ClinVar:

ClinVar aggregate classification (germline): Conflicting classifications of pathogenicity. Review status: criteria provided, conflicting classifications (1 of 4 stars). 2 submissions from 2 submitters: Uncertain significance (1); Likely benign (1). Last evaluated 2024-08-02.

Conditions:
Meckel-Gruber syndrome. Also called: Dysencephalia splachnocystica; DYSENCEPHALIA SPLANCHNOCYSTICA; GRUBER SYNDROME. Identifiers: Orphanet 564, MedGen C0265215, MONDO:0018921.
Joubert syndrome. Also called: Familial aplasia of the vermis; JOUBERT-BOLTSHAUSER SYNDROME. Identifiers: Orphanet 475, MedGen C5979921, MONDO:0018772.

gnomAD v4.1: 52 of 1,613,898 alleles (0.0032%); highest among the groups gnomAD compares: Non-Finnish European, 0.002%; no homozygotes.

Submissions (2):

Labcorp Genetics (formerly Invitae), Labcorp
Classification: Uncertain significance for Joubert syndrome; Meckel-Gruber syndrome. Last evaluated: 2024-08-02. Review status: criteria provided, single submitter. Criteria: Invitae Variant Classification Sherloc (09022015). Collection method: clinical testing. Allele origin: germline.
Comment: This sequence change falls in intron 2 of the TCTN2 gene. It does not directly change the encoded amino acid sequence of the TCTN2 protein. It affects a nucleotide within the consensus splice site. This variant is present in population databases (rs779611954, gnomAD 0.05%). This variant has not been reported in the literature in individuals affected with TCTN2-related conditions. Variants that disrupt the consensus splice site are a relatively common cause of aberrant splicing (PMID: 17576681, 9536098). Algorithms developed to predict the effect of sequence changes on RNA splicing suggest that this variant is not likely to affect RNA splicing. In summary, the available evidence is currently insufficient to determine the role of this variant in disease. Therefore, it has been classified as a Variant of Uncertain Significance.

Blueprint Genetics
Classification: Likely benign. Last evaluated: 2022-09-14. Review status: criteria provided, single submitter. Criteria: ACMG Guidelines, 2015. Collection method: clinical testing. Allele origin: germline.

Literature cited by the submitters: PubMed 17576681 (cited by Labcorp Genetics (formerly Invitae), Labcorp); PubMed 9536098 (cited by Labcorp Genetics (formerly Invitae), Labcorp).

NM_024809.5(TCTN2):c.191-3T>C

Gene: TCTN2 (tectonic family member 2; plus strand). Cytogenetic location: 12q24.31.
Variant type: single nucleotide variant.
Coding change: c.191-3T>C on transcript NM_024809.5 (MANE Select); 3 bases into the intron before coding-DNA position 191, T replaced by C.
Molecular consequence: intron variant.
Genome position (GRCh38, 1-based): chr12:123,672,053, T>C. VCF-style: chr12-123672053-T-C. GRCh37 (hg19) VCF-style: chr12-124156600-T-C.
Other names: c.191-3T>C (NM_001410989.1, NM_001143850.3).
Identifiers: ClinVar variation 3758349 (VCV003758349.3).